The following is an entry in ClinVar:

ClinVar aggregate classification (germline): Uncertain significance (1 of 4 stars; one submission).

Conditions:
Cohen syndrome (COH1). Also called: Cutis verticis gyrata, retinitis pigmentosa, and sensorineural deafness; PEPPER SYNDROME. Identifiers: Orphanet 193, MedGen C0265223, MONDO:0008999, OMIM 216550.

Submission:

Labcorp Genetics (formerly Invitae), Labcorp
Classification: Uncertain significance for Cohen syndrome. Last evaluated: 2022-07-25. Review status: criteria provided, single submitter. Criteria: Invitae Variant Classification Sherloc (09022015). Collection method: clinical testing. Allele origin: germline.
Comment: This sequence change replaces proline, which is neutral and non-polar, with arginine, which is basic and polar, at codon 2805 of the VPS13B protein (p.Pro2805Arg). In summary, the available evidence is currently insufficient to determine the role of this variant in disease. Therefore, it has been classified as a Variant of Uncertain Significance. Algorithms developed to predict the effect of sequence changes on RNA splicing suggest that this variant may disrupt the consensus splice site. Algorithms developed to predict the effect of missense changes on protein structure and function are either unavailable or do not agree on the potential impact of this missense change (SIFT: "Not Available"; PolyPhen-2: "Benign"; Align-GVGD: "Not Available"). This variant has not been reported in the literature in individuals affected with VPS13B-related conditions. This variant is not present in population databases (gnomAD no frequency).

NM_152564.5(VPS13B):c.8339C>G (p.Pro2780Arg)

Gene: VPS13B (vacuolar protein sorting 13 homolog B; plus strand). Cytogenetic location: 8q22.2.
Variant type: single nucleotide variant.
Coding change: c.8339C>G on transcript NM_152564.5 (MANE Select); coding-DNA position 8339, C replaced by G.
Protein change: p.Pro2780Arg; replaces proline 2780 with arginine.
Molecular consequence: missense variant.
Genome position (GRCh38, 1-based): chr8:99,817,781, C>G. VCF-style: chr8-99817781-C-G. GRCh37 (hg19) VCF-style: chr8-100830009-C-G.
Other names: c.8414C>G, p.Pro2805Arg (NM_017890.5); short protein forms P2805R, P2780R.
Identifiers: ClinVar variation 2092685 (VCV002092685.4), dbSNP rs2492006326, ClinGen allele CA371773420.